The following is an entry in ClinVar:

NM_001082486.2(ACD):c.904T>G (p.Leu302Val)

Gene: ACD (ACD shelterin complex subunit and telomerase recruitment factor; minus strand). Cytogenetic location: 16q22.1.
Variant type: single nucleotide variant.
Coding change: c.904T>G on transcript NM_001082486.2 (MANE Select); coding-DNA position 904, T replaced by G.
Protein change: p.Leu302Val; replaces leucine 302 with valine.
Molecular consequence: missense variant.
Genome position (GRCh38, 1-based): chr16:67,658,288, A>C on the plus strand (T>G on the coding strand, the complement: ACD is on the minus strand). VCF-style: chr16-67658288-A-C. GRCh37 (hg19) VCF-style: chr16-67692191-A-C.
Other names: c.817T>G, p.Leu273Val (NM_001410884.1); c.895T>G, p.Leu299Val (NM_022914.3); short protein forms L299V, L273V, L302V.
Identifiers: ClinVar variation 2452431 (VCV002452431.2), dbSNP rs2543599517, ClinGen allele CA396352830.

ClinVar aggregate classification (germline): Uncertain significance (1 of 4 stars; one submission).

Conditions:
Inborn genetic diseases. Identifiers: MedGen C0950123, MeSH D030342.

Submission:

Ambry Genetics
Classification: Uncertain significance for Inborn genetic diseases. Last evaluated: 2022-11-25. Review status: criteria provided, single submitter. Criteria: Ambry Variant Classification Scheme 2023. Collection method: clinical testing. Allele origin: germline.
Comment: The p.L388V variant (also known as c.1162T>G), located in coding exon 10 of the ACD gene, results from a T to G substitution at nucleotide position 1162. The leucine at codon 388 is replaced by valine, an amino acid with highly similar properties. This amino acid position is conserved. In addition, this alteration is predicted to be tolerated by in silico analysis. Since supporting evidence is limited at this time, the clinical significance of this alteration remains unclear.